The following is an entry in ClinVar:

ClinVar aggregate classification (germline): Uncertain significance. Review status: criteria provided, multiple submitters, no conflicts (2 of 4 stars). 6 submissions from 6 submitters: Uncertain significance (4). 2 of the submissions do not count toward it. Last evaluated 2026-01-06.

Conditions:
Hereditary cancer-predisposing syndrome. Also called: Neoplastic Syndromes, Hereditary; Hereditary neoplastic syndrome; Hereditary Cancer Syndrome; Tumor predisposition. Identifiers: Orphanet 140162, MedGen C0027672, MeSH D009386, MONDO:0015356.
POLD1-related disorder. Also called: POLD1-related disorders; POLD1-related condition.
POLD1-related polyposis and colorectal cancer syndrome (CRCS10). Also called: Colorectal cancer, susceptibility to, 10; Colorectal cancer 10; COLORECTAL CANCER, SUSCEPTIBILITY TO, ON CHROMOSOME 19q. Identifiers: Orphanet 220460, MedGen C2675481, MONDO:0012953, OMIM 612591.

Allele frequency attached by ClinVar (database versions not stated): gnomAD 0.00001; TOPMed 0.00001; gnomAD exomes 0.00003 and 0.00004; ExAC 0.00005.

Submissions (6):

Labcorp Genetics (formerly Invitae), Labcorp
Classification: Uncertain significance for POLD1-related polyposis and colorectal cancer syndrome. Last evaluated: 2026-01-06. Review status: criteria provided, single submitter. Criteria: Invitae Variant Classification Sherloc (09022015). Collection method: clinical testing. Allele origin: germline.
Comment: This sequence change replaces arginine, which is basic and polar, with cysteine, which is neutral and slightly polar, at codon 224 of the POLD1 protein (p.Arg224Cys). This variant is present in population databases (rs768253410, gnomAD 0.008%). This missense change has been observed in individual(s) with POLD1-related conditions (PMID: 34326862). ClinVar contains an entry for this variant (Variation ID: 407996). Invitae Evidence Modeling of protein sequence and biophysical properties (such as structural, functional, and spatial information, amino acid conservation, physicochemical variation, residue mobility, and thermodynamic stability) indicates that this missense variant is not expected to disrupt POLD1 protein function with a negative predictive value of 80%. In summary, the available evidence is currently insufficient to determine the role of this variant in disease. Therefore, it has been classified as a Variant of Uncertain Significance.

Dasa
Classification: Uncertain significance. Last evaluated: 2025-05-05. Review status: criteria provided, single submitter. Criteria: DASA Assertion Criteria. Collection method: clinical testing. Allele origin: germline.
Comment: NM_002691.4(POLD1):c.670C>T (p.Arg224Cys) is a missense variant that results in the substitution of arginine with cysteine. This variant is rare in population databases. Computational prediction algorithms are consistent with a benign effect. The currently available literature and clinical evidence are not sufficient to establish a definitive association between this variant and the reported condition. Therefore, this variant is classified as a variant of uncertain significance.

St. Jude Molecular Pathology, St. Jude Children's Research Hospital
Classification: Uncertain significance for POLD1-related polyposis and colorectal cancer syndrome. Last evaluated: 2024-12-30. Review status: criteria provided, single submitter. Criteria: St. Jude Assertion Criteria 2020. Collection method: clinical testing. Allele origin: germline.
Comment: The POLD1 c.670C>T (p.Arg224Cys) missense change has a maximum subpopulation frequency of 0.008% in gnomAD v2.1.1. The in silico tool REVEL is inconclusive about a pathogenic or benign effect of this variant on protein function, and to our knowledge functional studies have not been performed. To our knowledge, this variant has not been reported as pathogenic in individuals with POLD1-related disease. In summary, the evidence currently available is insufficient to determine the clinical significance of this variant. It has therefore been classified as of uncertain significance.

Ambry Genetics
Classification: Uncertain significance for Hereditary cancer-predisposing syndrome. Last evaluated: 2024-10-17. Review status: criteria provided, single submitter. Criteria: Ambry Variant Classification Scheme 2023. Collection method: clinical testing. Allele origin: germline.
Comment: The p.R224C variant (also known as c.670C>T), located in coding exon 5 of the POLD1 gene, results from a C to T substitution at nucleotide position 670. The arginine at codon 224 is replaced by cysteine, an amino acid with highly dissimilar properties. This amino acid position is not well conserved in available vertebrate species. In addition, this alteration is predicted to be tolerated by in silico analysis. Based on the available evidence, the clinical significance of this variant remains unclear.

PreventionGenetics, part of Exact Sciences
Classification: Uncertain significance for POLD1-related condition. Last evaluated: 2024-03-04. Review status: no assertion criteria provided. Collection method: clinical testing. Allele origin: germline. Not counted in ClinVar's aggregate classification.
Comment: The POLD1 c.670C>T variant is predicted to result in the amino acid substitution p.Arg224Cys. This variant was reported in an individual with a history of colon cancer (Table 3, Li et al. 2020. PubMed ID: 31567591) and in a cohort of individuals undergoing testing for hereditary cancer testing (Table S4, Bhai et al. 2021. PubMed ID: 34326862). This variant is reported in 0.0080% of alleles in individuals of European (Non-Finnish) descent in gnomAD. In ClinVar, this variant has been interpreted as uncertain. At this time, the clinical significance of this variant is uncertain due to the absence of conclusive functional and genetic evidence.

Zotz-Klimas Genetics Lab, MVZ Zotz Klimas
Classification: Uncertain significance for POLD1-related polyposis and colorectal cancer syndrome. Last evaluated: 2023-11-24. Review status: no assertion criteria provided. Collection method: clinical testing. Allele origin: germline. Affected: yes. Not counted in ClinVar's aggregate classification.

Literature cited by the submitters: PubMed 34326862 (cited by Labcorp Genetics (formerly Invitae), Labcorp).

NM_002691.4(POLD1):c.670C>T (p.Arg224Cys)

Gene: POLD1 (DNA polymerase delta 1, catalytic subunit; plus strand). Cytogenetic location: 19q13.33.
Variant type: single nucleotide variant.
Coding change: c.670C>T on transcript NM_002691.4 (MANE Select); coding-DNA position 670, C replaced by T.
Protein change: p.Arg224Cys; replaces arginine 224 with cysteine.
Molecular consequence: missense variant. On other transcripts: non-coding transcript variant (1).
Genome position (GRCh38, 1-based): chr19:50,402,285, C>T. VCF-style: chr19-50402285-C-T. GRCh37 (hg19) VCF-style: chr19-50905542-C-T.
Other names: c.670C>T, p.Arg224Cys (NM_001256849.1, NM_001308632.1); c.670C>T (NM_002691.2); short protein forms R224C.
Identifiers: ClinVar variation 407996 (VCV000407996.15), dbSNP rs768253410, ClinGen allele CA9595860.